The following is an entry in ClinVar:

ClinVar aggregate classification (germline): Uncertain significance (1 of 4 stars; one submission).

Conditions:
Fanconi anemia (FA). Also called: Fanconi's anemia. Identifiers: Orphanet 84, MedGen C0015625, MeSH D005199, MONDO:0019391.

Submission:

Labcorp Genetics (formerly Invitae), Labcorp
Classification: Uncertain significance for Fanconi anemia. Last evaluated: 2019-03-11. Review status: criteria provided, single submitter. Criteria: Invitae Variant Classification Sherloc (09022015). Collection method: clinical testing. Allele origin: germline.
Comment: In summary, the available evidence is currently insufficient to determine the role of this variant in disease. Therefore, it has been classified as a Variant of Uncertain Significance. Algorithms developed to predict the effect of missense changes on protein structure and function (SIFT, PolyPhen-2, Align-GVGD) all suggest that this variant is likely to be tolerated, but these predictions have not been confirmed by published functional studies and their clinical significance is uncertain. This variant has not been reported in the literature in individuals with FANCM-related conditions. This variant is not present in population databases (ExAC no frequency). This sequence change replaces aspartic acid with tyrosine at codon 475 of the FANCM protein (p.Asp475Tyr). The aspartic acid residue is weakly conserved and there is a large physicochemical difference between aspartic acid and tyrosine.

NM_020937.4(FANCM):c.1423G>T (p.Asp475Tyr)

Gene: FANCM (FA complementation group M; plus strand). Cytogenetic location: 14q21.2.
Variant type: single nucleotide variant.
Coding change: c.1423G>T on transcript NM_020937.4 (MANE Select); coding-DNA position 1423, G replaced by T.
Protein change: p.Asp475Tyr; replaces aspartic acid 475 with tyrosine.
Molecular consequence: missense variant.
Genome position (GRCh38, 1-based): chr14:45,159,122, G>T. VCF-style: chr14-45159122-G-T. GRCh37 (hg19) VCF-style: chr14-45628325-G-T.
Other names: c.1345G>T, p.Asp449Tyr (NM_001308133.2); c.1423G>T, p.Asp475Tyr (NM_001308134.2); short protein forms D449Y, D475Y.
Identifiers: ClinVar variation 835339 (VCV000835339.9), dbSNP rs1060501892, ClinGen allele CA389592415.